The following is an entry in ClinVar:

NM_001429.4(EP300):c.23C>T (p.Pro8Leu)

Gene: EP300 (EP300 lysine acetyltransferase; plus strand). Cytogenetic location: 22q13.2.
Variant type: single nucleotide variant.
Coding change: c.23C>T on transcript NM_001429.4 (MANE Select); coding-DNA position 23, C replaced by T.
Protein change: p.Pro8Leu; replaces proline 8 with leucine.
Molecular consequence: missense variant.
Genome position (GRCh38, 1-based): chr22:41,093,027, C>T. VCF-style: chr22-41093027-C-T. GRCh37 (hg19) VCF-style: chr22-41489031-C-T.
Other names: c.23C>T, p.Pro8Leu (NM_001362843.2); c.23C>T (NM_001429.3); short protein forms P8L.
Identifiers: ClinVar variation 4799335 (VCV004799335.2).

ClinVar aggregate classification (germline): Conflicting classifications of pathogenicity. Review status: criteria provided, conflicting classifications (1 of 4 stars). 2 submissions from 2 submitters: Uncertain significance (1); Likely benign (1). Last evaluated 2026-08-18.

Conditions:
Rubinstein-Taybi syndrome due to EP300 haploinsufficiency. Also called: RUBINSTEIN-TAYBI SYNDROME 2; EP300-Related Rubinstein-Taybi Syndrome. Identifiers: Orphanet 353284, Orphanet 783, MedGen C3150941, MONDO:0013364, OMIM 613684.
EP300-related disorder. Also called: EP300-related disorders; EP300-related condition.

gnomAD v4.1: 4 of 1,614,018 alleles (0.00025%); highest among the groups gnomAD compares: East Asian, 0.0022%; no homozygotes.

Submissions (2):

PreventionGenetics, part of Exact Sciences
Classification: Uncertain significance for EP300-related condition. Last evaluated: 2026-08-18. Review status: criteria provided, single submitter. Criteria: ACMG Guidelines, 2015. Collection method: clinical testing. Allele origin: germline.
Comment: The EP300 c.23C>T variant is predicted to result in the amino acid substitution p.Pro8Leu. To our knowledge, this variant has not been reported in the literature. This variant is reported in 0.00088% of alleles in individuals of European (Non-Finnish) descent in gnomAD. At this time, the clinical significance of this variant is uncertain due to the absence of conclusive functional and genetic evidence.

Labcorp Genetics (formerly Invitae), Labcorp
Classification: Likely benign for Rubinstein-Taybi syndrome due to EP300 haploinsufficiency. Last evaluated: 2025-11-13. Review status: criteria provided, single submitter. Criteria: Invitae Variant Classification Sherloc (09022015). Collection method: clinical testing. Allele origin: germline.